The following is an entry in ClinVar:

NM_006904.7(PRKDC):c.9328T>G (p.Phe3110Val)

Gene: PRKDC (protein kinase, DNA-activated, catalytic subunit; minus strand). Cytogenetic location: 8q11.21.
Variant type: single nucleotide variant.
Coding change: c.9328T>G on transcript NM_006904.7 (MANE Select); coding-DNA position 9328, T replaced by G.
Protein change: p.Phe3110Val; replaces phenylalanine 3110 with valine.
Molecular consequence: missense variant.
Genome position (GRCh38, 1-based): chr8:47,820,727, A>C on the plus strand (T>G on the coding strand, the complement: PRKDC is on the minus strand). VCF-style: chr8-47820727-A-C. GRCh37 (hg19) VCF-style: chr8-48733288-A-C.
Other names: c.9328T>G, p.Phe3110Val (NM_001081640.2); short protein forms F3110V.
Identifiers: ClinVar variation 2561920 (VCV002561920.2), dbSNP rs2551865329, ClinGen allele CA371139238.

ClinVar aggregate classification (germline): Uncertain significance (1 of 4 stars; one submission).

Submission:

Ambry Genetics
Classification: Uncertain significance. Last evaluated: 2023-04-24. Review status: criteria provided, single submitter. Criteria: Ambry Variant Classification Scheme 2023. Collection method: clinical testing. Allele origin: germline.
Comment: The p.F3110V variant (also known as c.9328T>G), located in coding exon 66 of the PRKDC gene, results from a T to G substitution at nucleotide position 9328. The phenylalanine at codon 3110 is replaced by valine, an amino acid with highly similar properties. This amino acid position is conserved. In addition, this alteration is predicted to be deleterious by in silico analysis. Since supporting evidence is limited at this time, the clinical significance of this alteration remains unclear.